The following is an entry in ClinVar:

ClinVar aggregate classification (germline): Uncertain significance (1 of 4 stars; one submission).

Conditions:
Ehlers-Danlos syndrome, classic type, 1 (EDSCL1). Also called: EHLERS-DANLOS SYNDROME, GRAVIS TYPE; EHLERS-DANLOS SYNDROME, SEVERE CLASSIC TYPE; Ehlers-Danlos syndrome, type 1; Ehlers-Danlos Syndrome, Classic Type, COL5A1-Related; EDS I. Identifiers: MedGen C0268335, MONDO:0019567, OMIM 130000.

Allele frequency attached by ClinVar (database versions not stated): TOPMed below 0.00001.

Submission:

Labcorp Genetics (formerly Invitae), Labcorp
Classification: Uncertain significance for Ehlers-Danlos syndrome, classic type, 1. Last evaluated: 2023-04-14. Review status: criteria provided, single submitter. Criteria: Invitae Variant Classification Sherloc (09022015). Collection method: clinical testing. Allele origin: germline.
Comment: In summary, the available evidence is currently insufficient to determine the role of this variant in disease. Therefore, it has been classified as a Variant of Uncertain Significance. Variants that disrupt the consensus splice site are a relatively common cause of aberrant splicing (PMID: 17576681, 9536098). Algorithms developed to predict the effect of sequence changes on RNA splicing suggest that this variant is not likely to affect RNA splicing. This variant has not been reported in the literature in individuals affected with COL5A1-related conditions. This variant is not present in population databases (gnomAD no frequency). This sequence change falls in intron 46 of the COL5A1 gene. It does not directly change the encoded amino acid sequence of the COL5A1 protein. It affects a nucleotide within the consensus splice site.

Literature cited by the submitters: PubMed 17576681; PubMed 9536098.

NM_000093.5(COL5A1):c.3691-3C>A

Gene: COL5A1 (collagen type V alpha 1 chain; plus strand). Cytogenetic location: 9q34.3.
Variant type: single nucleotide variant.
Coding change: c.3691-3C>A on transcript NM_000093.5 (MANE Select); 3 bases into the intron before coding-DNA position 3691, C replaced by A.
Molecular consequence: intron variant.
Genome position (GRCh38, 1-based): chr9:134,812,446, C>A. VCF-style: chr9-134812446-C-A. GRCh37 (hg19) VCF-style: chr9-137704292-C-A.
Other names: c.3691-3C>A (NM_001278074.1).
Identifiers: ClinVar variation 2836655 (VCV002836655.3), dbSNP rs1838560370, ClinGen allele CA1883384922.
Genomic context (GRCh38, chr9:134,812,446, plus strand): 5'-TGTGTGTGTGTTTGACATACACATGACAGAACAGCGCTTAACTGGGAAGTTTCCTGTTCT[C>A]AGGGTTTGCCAGGACCTCCAGGCGAGAAGGGTGAGACAGGAGACGTGGGCCAGATGGTAA-3'